The following is an entry in ClinVar:

ClinVar aggregate classification (germline): Conflicting classifications of pathogenicity. Review status: criteria provided, conflicting classifications (1 of 4 stars). 2 submissions from 2 submitters: Uncertain significance (1); Likely benign (1). Last evaluated 2026-08-01.

Conditions:
Developmental and epileptic encephalopathy, 12 (DEE12). Identifiers: MedGen C3150988, MONDO:0013389, OMIM 613722.

Allele frequency attached by ClinVar (database versions not stated): gnomAD exomes below 0.00001; ExAC 0.00001; gnomAD 0.00001; TOPMed 0.00002.
gnomAD v4.1: 9 of 1,613,684 alleles (0.00056%); highest among the groups gnomAD compares: Non-Finnish European, 0.00068%; no homozygotes.

Submissions (2):

CeGaT Center for Human Genetics Tuebingen
Classification: Likely benign. Last evaluated: 2026-08-01. Review status: criteria provided, single submitter. Criteria: CeGaT Center For Human Genetics Tuebingen Variant Classification Criteria Version 2. Collection method: clinical testing. Allele origin: germline. Affected: yes. Observed: 1 variant allele.
Comment: PLCB1: BP4, BP7

Illumina Laboratory Services, Illumina
Classification: Uncertain significance for Developmental and epileptic encephalopathy, 12. Last evaluated: 2018-03-02. Review status: criteria provided, single submitter. Criteria: ICSL Variant Classification Criteria 13 December 2019. Collection method: clinical testing. Allele origin: germline.

NM_015192.4(PLCB1):c.1962C>T (p.Phe654=)

Gene: PLCB1 (phospholipase C beta 1; plus strand). Cytogenetic location: 20p12.3.
Variant type: single nucleotide variant.
Coding change: c.1962C>T on transcript NM_015192.4 (MANE Select); coding-DNA position 1962, C replaced by T.
Protein change: p.Phe654=; no amino-acid change (phenylalanine 654 retained).
Molecular consequence: synonymous variant.
Genome position (GRCh38, 1-based): chr20:8,733,311, C>T. VCF-style: chr20-8733311-C-T. GRCh37 (hg19) VCF-style: chr20-8713958-C-T.
Other names: c.1962C>T, p.Phe654= (NM_182734.3).
Identifiers: ClinVar variation 898533 (VCV000898533.5), dbSNP rs747774959, ClinGen allele CA9760121.